The following is an entry in ClinVar:

ClinVar aggregate classification (germline): Conflicting classifications of pathogenicity. Review status: criteria provided, conflicting classifications (1 of 4 stars). 3 submissions from 3 submitters: Pathogenic (1); Likely pathogenic (1); Uncertain significance (1). Last evaluated 2024-06-09.

Conditions:
Malignant hyperthermia, susceptibility to, 1 (MHS1). Also called: RYR1-Related Malignant Hyperthermia Susceptibility; Malignant hyperthermia suceptibility 1; Anesthesia related hyperthermia; Malignant hyperpyrexia; Fulminating hyperpyrexia; Pharmacogenic myopathy. Identifiers: Orphanet 423, MedGen C2930980, MONDO:0007783, OMIM 145600.
Central core myopathy (CMYO1A). Also called: Central core disease; Myopathy, central fibrillar; CONGENITAL MYOPATHY 1A, AUTOSOMAL DOMINANT, WITH SUSCEPTIBILITY TO MALIGNANT HYPERTHERMIA. Identifiers: Orphanet 597, MedGen C5830701, MONDO:0007294, OMIM 117000.
RYR1-related disorder. Also called: RYR1-related disorders; RYR1-related condition. Identifiers: MedGen CN239331.

Submissions (3):

All of Us Research Program, National Institutes of Health
Classification: Uncertain significance for Malignant hyperthermia, susceptibility to, 1. Last evaluated: 2024-06-09. Review status: criteria provided, single submitter. Criteria: ACMG Guidelines, 2015. Collection method: clinical testing. Allele origin: germline. Inheritance: Autosomal dominant inheritance. Observed: 1 variant allele, 1 heterozygote.
Comment: This missense variant replaces phenylalanine with tyrosine at codon 4808 of the RYR1 protein. Computational prediction suggests that this variant may have deleterious impact on protein structure and function. To our knowledge, functional studies have not been reported for this variant. This variant has not been reported in individuals affected with malignant hyperthermia susceptibility in the literature. It has been observed in two individuals affected with congenital myopathy (PMID: 22473935, 23394784). This variant has not been identified in the general population by the Genome Aggregation Database (gnomAD). The available evidence is insufficient to determine the role of this variant in autosomal dominant malignant hyperthermia susceptibility conclusively. Therefore, this variant is classified as a Variant of Uncertain Significance.

This study involves interpretation of variants in research participants for the purpose of population health screening. Participant phenotype was not available at the time of variant classification. Additional details can be found in publication PMID: 35346344, PMCID: PMC8962531

Labcorp Genetics (formerly Invitae), Labcorp
Classification: Pathogenic for RYR1-related disorder. Last evaluated: 2024-02-23. Review status: criteria provided, single submitter. Criteria: Invitae Variant Classification Sherloc (09022015). Collection method: clinical testing. Allele origin: germline.
Comment: This sequence change replaces phenylalanine, which is neutral and non-polar, with tyrosine, which is neutral and polar, at codon 4808 of the RYR1 protein (p.Phe4808Tyr). This variant is not present in population databases (gnomAD no frequency). This missense change has been observed in individuals with autosomal dominant RYR1-related conditions (PMID: 23394784, 32381727). ClinVar contains an entry for this variant (Variation ID: 1498872). Advanced modeling of protein sequence and biophysical properties (such as structural, functional, and spatial information, amino acid conservation, physicochemical variation, residue mobility, and thermodynamic stability) performed at Invitae indicates that this missense variant is expected to disrupt RYR1 protein function with a positive predictive value of 95%. This variant disrupts the p.Phe4808 amino acid residue in RYR1. Other variant(s) that disrupt this residue have been determined to be pathogenic (PMID: 12565913, 21455645, 27447704). This suggests that this residue is clinically significant, and that variants that disrupt this residue are likely to be disease-causing. For these reasons, this variant has been classified as Pathogenic.

3billion
Classification: Likely pathogenic for Central core myopathy. Last evaluated: 2022-09-01. Review status: criteria provided, single submitter. Criteria: ACMG Guidelines, 2015. Collection method: clinical testing. Allele origin: germline. Affected: yes. Observed: 1 heterozygote.
Comment: The variant is not observed in the gnomAD v2.1.1 dataset. In silico tool predictions suggest damaging effect of the variant on gene or gene product (REVEL: 0.94; 3Cnet: 0.86). Same nucleotide change resulting in same amino acid change has been previously reported to be associated with RYR1-related disorder (ClinVar ID: VCV001498872 / PMID: 23394784). Different missense changes at the same codon (p.Phe4808Asn, p.Phe4808Leu) have been reported as pathogenic/likely pathogenic with strong evidence (ClinVar ID: VCV000478199 , VCV001213684). Therefore, this variant is classified as Likely pathogenic according to the recommendation of ACMG/AMP guideline.

Literature cited by the submitters: PubMed 22473935 (cited by All of Us Research Program, National Institutes of Health); PubMed 23394784 (cited by 3 submitters); PubMed 32381727 (cited by Labcorp Genetics (formerly Invitae), Labcorp); PubMed 12565913 (cited by Labcorp Genetics (formerly Invitae), Labcorp); PubMed 21455645 (cited by Labcorp Genetics (formerly Invitae), Labcorp); PubMed 27447704 (cited by Labcorp Genetics (formerly Invitae), Labcorp).

NM_000540.3(RYR1):c.14423T>A (p.Phe4808Tyr)

Gene: RYR1 (ryanodine receptor 1; plus strand). Cytogenetic location: 19q13.2.
Variant type: single nucleotide variant.
Coding change: c.14423T>A on transcript NM_000540.3 (MANE Select); coding-DNA position 14423, T replaced by A.
Protein change: p.Phe4808Tyr; replaces phenylalanine 4808 with tyrosine.
Molecular consequence: missense variant.
Genome position (GRCh38, 1-based): chr19:38,580,040, T>A. VCF-style: chr19-38580040-T-A. GRCh37 (hg19) VCF-style: chr19-39070680-T-A.
Other names: c.14408T>A, p.Phe4803Tyr (NM_001042723.2); short protein forms F4803Y, F4808Y.
Identifiers: ClinVar variation 1498872 (VCV001498872.10), dbSNP rs1274780855, ClinGen allele CA405687045.